The following is an entry in ClinVar:

NM_003764.4(STX11):c.391C>T (p.Gln131Ter)

Gene: STX11 (syntaxin 11; plus strand). Cytogenetic location: 6q24.2.
Variant type: single nucleotide variant.
Coding change: c.391C>T on transcript NM_003764.4 (MANE Select); coding-DNA position 391, C replaced by T.
Protein change: p.Gln131Ter; replaces glutamine 131 with a stop codon.
Molecular consequence: nonsense.
Genome position (GRCh38, 1-based): chr6:144,187,018, C>T. VCF-style: chr6-144187018-C-T. GRCh37 (hg19) VCF-style: chr6-144508155-C-T.
Other names: c.391C>T (LRG_113t1); short protein forms Q131*.
Identifiers: ClinVar variation 203384 (VCV000203384.7), dbSNP rs794729649, ClinGen allele CA275513.

ClinVar aggregate classification (germline): Pathogenic/Likely pathogenic. Review status: criteria provided, multiple submitters, no conflicts (2 of 4 stars). 4 submissions from 4 submitters: Pathogenic (1); Likely pathogenic (2). 1 of the submissions does not count toward it. Last evaluated 2024-01-06.

Conditions:
Familial hemophagocytic lymphohistiocytosis 4 (FHL4). Also called: STX11-Related Familial Hemophagocytic Lymphohistiocytosis (STX11-fHLH). Identifiers: Orphanet 540, MedGen C1863728, MONDO:0011336, OMIM 603552.

Allele frequency attached by ClinVar (database versions not stated): gnomAD exomes 0.00001.

Submissions (4):

Fulgent Genetics
Classification: Likely pathogenic for Familial hemophagocytic lymphohistiocytosis 4. Last evaluated: 2024-01-06. Review status: criteria provided, single submitter. Criteria: ACMG Guidelines, 2015. Collection method: clinical testing. Allele origin: germline.

Baylor Genetics
Classification: Likely pathogenic for Familial hemophagocytic lymphohistiocytosis 4. Last evaluated: 2023-12-12. Review status: criteria provided, single submitter. Criteria: ACMG Guidelines, 2015. Collection method: clinical testing. Allele origin: unknown.

Labcorp Genetics (formerly Invitae), Labcorp
Classification: Pathogenic for Familial hemophagocytic lymphohistiocytosis 4. Last evaluated: 2023-05-24. Review status: criteria provided, single submitter. Criteria: Invitae Variant Classification Sherloc (09022015). Collection method: clinical testing. Allele origin: germline.
Comment: ClinVar contains an entry for this variant (Variation ID: 203384). This variant has not been reported in the literature in individuals affected with STX11-related conditions. This variant is not present in population databases (gnomAD no frequency). This sequence change creates a premature translational stop signal (p.Gln131*) in the STX11 gene. While this is not anticipated to result in nonsense mediated decay, it is expected to disrupt the last 157 amino acid(s) of the STX11 protein. For these reasons, this variant has been classified as Pathogenic. This variant disrupts a region of the STX11 protein in which other variant(s) (p.Gln268*) have been determined to be pathogenic (PMID: 16582076, 17525286). This suggests that this is a clinically significant region of the protein, and that variants that disrupt it are likely to be disease-causing.

Division of Human Genetics, Children's Hospital of Philadelphia
Classification: Likely pathogenic for Familial hemophagocytic lymphohistiocytosis 4. Last evaluated: 2015-05-07. Review status: no assertion criteria provided. Collection method: research. Allele origin: germline. Affected: no. Study: CSER-PediSeq. Not counted in ClinVar's aggregate classification.
Comment: The STX11 variant (c.391C>T) s a nonsense mutation that is predicted to result in the premature truncation of the transcript, and may lead to nonsense mediated decay. This variant has not previously been reported but is not present in large population database (ExAC) hence is considered likely pathogenic.

Literature cited by the submitters: PubMed 16582076 (cited by Labcorp Genetics (formerly Invitae), Labcorp); PubMed 17525286 (cited by Labcorp Genetics (formerly Invitae), Labcorp).